The following is an entry in ClinVar:

ClinVar aggregate classification (germline): Uncertain significance (1 of 4 stars; one submission).

Submission:

GeneDx
Classification: Uncertain significance. Last evaluated: 2022-02-01. Review status: criteria provided, single submitter. Criteria: GeneDx Variant Classification Process June 2021. Collection method: clinical testing. Allele origin: germline. Affected: yes.
Comment: Not observed at significant frequency in large population cohorts (gnomAD); In silico analysis supports that this missense variant has a deleterious effect on protein structure/function; Has not been previously published as pathogenic or benign to our knowledge

NM_021096.4(CACNA1I):c.720C>G (p.Phe240Leu)

Gene: CACNA1I (calcium voltage-gated channel subunit alpha1 I; plus strand). Cytogenetic location: 22q13.1.
Variant type: single nucleotide variant.
Coding change: c.720C>G on transcript NM_021096.4 (MANE Select); coding-DNA position 720, C replaced by G.
Protein change: p.Phe240Leu; replaces phenylalanine 240 with leucine.
Molecular consequence: missense variant.
Genome position (GRCh38, 1-based): chr22:39,634,704, C>G. VCF-style: chr22-39634704-C-G. GRCh37 (hg19) VCF-style: chr22-40030709-C-G.
Other names: c.720C>G, p.Phe240Leu (NM_001003406.2); short protein forms F240L.
Identifiers: ClinVar variation 1699635 (VCV001699635.2), dbSNP rs755283651, ClinGen allele CA411633648.
Genomic context (GRCh38, chr22:39,634,704, plus strand): 5'-CTTCATCTTTGGCATCATAGGTGTGCAGCTCTGGGCGGGCCTGCTGCGTAACCGCTGCTT[C>G]CTGGAGGAGAACTTCACCATGTGAGTTCATCCCCTGCCACCCATGCAGCTCCGGGGACTC-3'
Protein context (NP_066919.2, residues 230-250): LWAGLLRNRC[Phe240Leu]LEENFTIQGD